The following is an entry in ClinVar:

NM_006121.4(KRT1):c.75C>T (p.Ile25=)

Gene: KRT1 (keratin 1; minus strand). Cytogenetic location: 12q13.13.
Variant type: single nucleotide variant.
Coding change: c.75C>T on transcript NM_006121.4 (MANE Select); coding-DNA position 75, C replaced by T.
Protein change: p.Ile25=; no amino-acid change (isoleucine 25 retained).
Molecular consequence: synonymous variant.
Genome position (GRCh38, 1-based): chr12:52,680,274, G>A on the plus strand (C>T on the coding strand, the complement: KRT1 is on the minus strand). VCF-style: chr12-52680274-G-A. GRCh37 (hg19) VCF-style: chr12-53074058-G-A.
Identifiers: ClinVar variation 66664 (VCV000066664.14), dbSNP rs828367, ClinGen allele CA217478.

ClinVar aggregate classification (germline): Benign. Review status: criteria provided, multiple submitters, no conflicts (2 of 4 stars). 6 submissions from 5 submitters: Benign (5). 1 of the submissions does not count toward it. Last evaluated 2026-02-04.

Conditions:
Diffuse nonepidermolytic palmoplantar keratoderma (NEPPK). Also called: Nonepidermolytic palmoplantar hyperkeratosis; Nonepidermolytic palmoplantar keratoderma. Identifiers: Orphanet 530838, MedGen C1833030, MONDO:0010962, OMIM 600962, HP:0007404.
Epidermolytic ichthyosis. Also called: Bullous ichthyosiform erythroderma; KRT10-Related Epidermolytic Hyperkeratosis; Epidermolytic Hyperkeratosis; Congenital bullous ichthyosiform erythroderma. Identifiers: Orphanet 312, MedGen C0079153, MONDO:0007239, HP:0007475.

Allele frequency attached by ClinVar (database versions not stated): gnomAD 0.03024 and 0.02886; ESP Exome Variant Server 0.03076; 1000 Genomes Project 30x 0.02374; TOPMed 0.02597; ExAC 0.03563; 1000 Genomes Project 0.02576; gnomAD exomes 0.03522 and 0.03878.
gnomAD v4.1: 61,092 of 1,613,786 alleles (3.8%); highest among the groups gnomAD compares: South Asian, 6.6%; 1,371 homozygotes.

Submissions (6):

Labcorp Genetics (formerly Invitae), Labcorp
Classification: Benign. Last evaluated: 2026-02-04. Review status: criteria provided, single submitter. Criteria: Invitae Variant Classification Sherloc (09022015). Collection method: clinical testing. Allele origin: germline.

Illumina Laboratory Services, Illumina
Classification: Benign for Diffuse nonepidermolytic palmoplantar keratoderma. Last evaluated: 2018-01-13. Review status: criteria provided, single submitter. Criteria: ICSL Variant Classification Criteria 13 December 2019. Collection method: clinical testing. Allele origin: germline.
Comment: This variant was observed in the ICSL laboratory as part of a predisposition screen in an ostensibly healthy population. It had not been previously curated by ICSL or reported in the Human Gene Mutation Database (HGMD: prior to June 1st, 2018), and was therefore a candidate for classification through an automated scoring system. Utilizing variant allele frequency, disease prevalence and penetrance estimates, and inheritance mode, an automated score was calculated to assess if this variant is too frequent to cause the disease. Based on the score and internal cut-off values, a variant classified as benign is not then subjected to further curation. The score for this variant resulted in a classification of benign for this disease.

Illumina Laboratory Services, Illumina
Classification: Benign for Epidermolytic hyperkeratosis 1. Last evaluated: 2018-01-13. Review status: criteria provided, single submitter. Criteria: ICSL Variant Classification Criteria 13 December 2019. Collection method: clinical testing. Allele origin: germline.
Comment: the same text as in the submission from Illumina Laboratory Services, Illumina above.

GeneDx
Classification: Benign. Last evaluated: 2015-03-03. Review status: criteria provided, single submitter. Criteria: GeneDx Variant Classification Process June 2021. Collection method: clinical testing. Allele origin: germline. Affected: yes.

Breakthrough Genomics
Classification: Benign. Review status: criteria provided, single submitter. Criteria: ACMG Guidelines, 2015. Collection method: not provided. Allele origin: germline. Inheritance: Autosomal dominant inheritance. Affected: yes.

Epithelial Biology;  Institute of Medical Biology, Singapore
No classification provided. Review status: no classification provided. Collection method: not provided. Allele origin: not provided. Not counted in ClinVar's aggregate classification.